The following is an entry in ClinVar:

ClinVar aggregate classification (germline): Uncertain significance (1 of 4 stars; one submission).

Submission:

Labcorp Genetics (formerly Invitae), Labcorp
Classification: Uncertain significance. Last evaluated: 2024-07-16. Review status: criteria provided, single submitter. Criteria: Invitae Variant Classification Sherloc (09022015). Collection method: clinical testing. Allele origin: germline.
Comment: This sequence change replaces isoleucine, which is neutral and non-polar, with serine, which is neutral and polar, at codon 164 of the SEMA4A protein (p.Ile164Ser). This variant is present in population databases (no rsID available, gnomAD 0.01%). This variant has not been reported in the literature in individuals affected with SEMA4A-related conditions. Advanced modeling of protein sequence and biophysical properties (such as structural, functional, and spatial information, amino acid conservation, physicochemical variation, residue mobility, and thermodynamic stability) performed at Invitae indicates that this missense variant is not expected to disrupt SEMA4A protein function with a negative predictive value of 80%. In summary, the available evidence is currently insufficient to determine the role of this variant in disease. Therefore, it has been classified as a Variant of Uncertain Significance.

NM_022367.4(SEMA4A):c.491T>G (p.Ile164Ser)

Gene: SEMA4A (semaphorin 4A; plus strand). Cytogenetic location: 1q22.
Variant type: single nucleotide variant.
Coding change: c.491T>G on transcript NM_022367.4 (MANE Select); coding-DNA position 491, T replaced by G.
Protein change: p.Ile164Ser; replaces isoleucine 164 with serine.
Molecular consequence: missense variant. On other transcripts: 5 prime UTR variant (2).
Genome position (GRCh38, 1-based): chr1:156,158,747, T>G. VCF-style: chr1-156158747-T-G. GRCh37 (hg19) VCF-style: chr1-156128538-T-G.
Other names: c.194T>G, p.Ile65Ser (NM_001370568.1); c.-17T>G (NM_001370569.1, NM_001370571.1); c.491T>G, p.Ile164Ser (NM_001193300.2, NM_001193301.2, NM_001370567.1); c.95T>G, p.Ile32Ser (NM_001193302.2); short protein forms I164S, I32S, I65S.
Identifiers: ClinVar variation 3614853 (VCV003614853.2).